The following is an entry in ClinVar:

NM_003906.5(MCM3AP):c.2692A>G (p.Ile898Val)

Gene: MCM3AP (minichromosome maintenance complex component 3 associated protein; minus strand). Cytogenetic location: 21q22.3.
Variant type: single nucleotide variant.
Coding change: c.2692A>G on transcript NM_003906.5 (MANE Select); coding-DNA position 2692, A replaced by G.
Protein change: p.Ile898Val; replaces isoleucine 898 with valine.
Molecular consequence: missense variant.
Genome position (GRCh38, 1-based): chr21:46,267,079, T>C on the plus strand (A>G on the coding strand, the complement: MCM3AP is on the minus strand). VCF-style: chr21-46267079-T-C. GRCh37 (hg19) VCF-style: chr21-47686993-T-C.
Other names: short protein forms I898V.
Identifiers: ClinVar variation 1520209 (VCV001520209.6), dbSNP rs771995876, ClinGen allele CA10076768.

ClinVar aggregate classification (germline): Uncertain significance (1 of 4 stars; one submission).

Allele frequency attached by ClinVar (database versions not stated): ExAC 0.00001; gnomAD exomes 0.00001.
gnomAD v4.1: 4 of 1,614,130 alleles (0.00025%); highest among the groups gnomAD compares: Admixed American, 0.0017%; no homozygotes.

Submission:

Labcorp Genetics (formerly Invitae), Labcorp
Classification: Uncertain significance. Last evaluated: 2022-07-19. Review status: criteria provided, single submitter. Criteria: Invitae Variant Classification Sherloc (09022015). Collection method: clinical testing. Allele origin: germline.
Comment: Algorithms developed to predict the effect of missense changes on protein structure and function output the following: SIFT: "Tolerated"; PolyPhen-2: "Benign"; Align-GVGD: "Class C0". The valine amino acid residue is found in multiple mammalian species, which suggests that this missense change does not adversely affect protein function. In summary, the available evidence is currently insufficient to determine the role of this variant in disease. Therefore, it has been classified as a Variant of Uncertain Significance. ClinVar contains an entry for this variant (Variation ID: 1520209). This variant has not been reported in the literature in individuals affected with MCM3AP-related conditions. This variant is present in population databases (rs771995876, gnomAD 0.003%). This sequence change replaces isoleucine, which is neutral and non-polar, with valine, which is neutral and non-polar, at codon 898 of the MCM3AP protein (p.Ile898Val).